The following is an entry in ClinVar:

NC_000001.11:g.(?_197268194)_(197268492_?)del

Gene: CRB1 (crumbs cell polarity complex component 1; plus strand). Cytogenetic location: 1q31.3.
Variant type: Deletion.
Identifiers: ClinVar variation 646396 (VCV000646396.2).

ClinVar aggregate classification (germline): Pathogenic (1 of 4 stars; one submission).

Conditions:
Retinitis pigmentosa 12 (RP12). Also called: RP WITH OR WITHOUT PRESERVED PARAARTERIOLE RETINAL PIGMENT EPITHELIUM; RETINITIS PIGMENTOSA WITH OR WITHOUT PARAARTERIOLAR PRESERVATION OF RETINAL PIGMENT EPITHELIUM; RP WITH OR WITHOUT PPRPE. Identifiers: Orphanet 791, MedGen C1838647, MONDO:0010818, OMIM 600105.
Leber congenital amaurosis 8 (LCA8). Identifiers: Orphanet 65, MedGen C3151202, MONDO:0013453, OMIM 613835.

Submission:

Labcorp Genetics (formerly Invitae), Labcorp
Classification: Pathogenic for Leber congenital amaurosis 8; Retinitis pigmentosa 12. Last evaluated: 2020-10-02. Review status: criteria provided, single submitter. Criteria: Invitae Variant Classification Sherloc (09022015). Collection method: clinical testing. Allele origin: germline.
Comment: This variant is a gross deletion of the genomic region encompassing exon 1 of the CRB1 gene, which includes the initiator codon. The 5' end of this event is unknown as it extends beyond the assayed region for this gene and therefore may encompass additional genes. The 3' boundary is likely confined to intron 1 of the CRB1 gene. This is expected to result in an absent or disrupted protein product. This variant has not been reported in the literature in individuals with CRB1-related disease. Loss-of-function variants in CRB1 are known to be pathogenic (PMID: 10508521, 22065545, 23379534). For these reasons, this variant has been classified as Pathogenic.

Literature cited by the submitters: PubMed 10508521; PubMed 22065545; PubMed 23379534.